The following is an entry in ClinVar:

NM_000257.4(MYH7):c.2425G>T (p.Asp809Tyr)

Genes: MYH7 (myosin heavy chain 7; minus strand), LOC126861898 (BRD4-independent group 4 enhancer GRCh37_chr14:23893609-23894808; plus strand). Cytogenetic location: 14q11.2.
Variant type: single nucleotide variant.
Coding change: c.2425G>T on transcript NM_000257.4 (MANE Select); coding-DNA position 2425, G replaced by T.
Protein change: p.Asp809Tyr; replaces aspartic acid 809 with tyrosine.
Molecular consequence: missense variant.
Genome position (GRCh38, 1-based): chr14:23,425,023, C>A on the plus strand (G>T on the coding strand, the complement: MYH7 is on the minus strand). VCF-style: chr14-23425023-C-A. GRCh37 (hg19) VCF-style: chr14-23894232-C-A.
Other names: short protein forms D809Y.
Identifiers: ClinVar variation 42904 (VCV000042904.21), dbSNP rs397516147, ClinGen allele CA012334.

ClinVar aggregate classification (germline): Uncertain significance. Review status: criteria provided, multiple submitters, no conflicts (2 of 4 stars). 5 submissions from 5 submitters: Uncertain significance (5). Last evaluated 2023-11-30.

Conditions:
Cardiomyopathy (CMYO). Also called: Cardiomyopathies. Identifiers: Orphanet 167848, MedGen C0878544, MONDO:0004994, HP:0001638. Inheritance: Various modes of inheritance.
Hypertrophic cardiomyopathy. Also called: HYPERTROPHIC MYOCARDIOPATHY. Identifiers: Orphanet 217569, MedGen C0007194, MeSH D002312, MONDO:0005045, HP:0001639.

Allele frequency attached by ClinVar (database versions not stated): gnomAD exomes 0.00002 and 0.00004; ExAC 0.00005.
gnomAD v4.1: 28 of 1,614,198 alleles (0.0017%); highest among the groups gnomAD compares: South Asian, 0.031%; 1 homozygote.

Submissions (5):

All of Us Research Program, National Institutes of Health
Classification: Uncertain significance for Cardiomyopathy. Last evaluated: 2023-11-30. Review status: criteria provided, single submitter. Criteria: ACMG Guidelines, 2015. Collection method: clinical testing. Allele origin: germline. Inheritance: Autosomal dominant inheritance. Observed: 2 variant alleles, 2 heterozygotes.
Comment: This study involves interpretation of variants in research participants for the purpose of population health screening. Participant phenotype was not available at the time of variant classification. Additional details can be found in publication PMID: 35346344, PMCID: PMC8962531

Color Diagnostics, LLC DBA Color Health
Classification: Uncertain significance for Cardiomyopathy. Last evaluated: 2023-01-09. Review status: criteria provided, single submitter. Criteria: ACMG Guidelines, 2015. Collection method: clinical testing. Allele origin: germline.
Comment: This missense variant replaces aspartic acid with tyrosine at codon 809 of the MYH7 protein. Computational prediction suggests that this variant may have deleterious impact on protein structure and function (internally defined REVEL score threshold >= 0.7, PMID: 27666373). To our knowledge, functional studies have not been reported for this variant. This variant has been reported in an individual affected with hypertrophic cardiomyopathy (PMID: 25611685, 27532257). This variant has been identified in 10/251380 chromosomes in the general population by the Genome Aggregation Database (gnomAD). The available evidence is insufficient to determine the role of this variant in disease conclusively. Therefore, this variant is classified as a Variant of Uncertain Significance.

Revvity Omics, Revvity
Classification: Uncertain significance. Last evaluated: 2020-10-08. Review status: criteria provided, single submitter. Criteria: ACMG Guidelines, 2015. Collection method: clinical testing. Allele origin: germline.

Labcorp Genetics (formerly Invitae), Labcorp
Classification: Uncertain significance for Hypertrophic cardiomyopathy. Last evaluated: 2020-01-06. Review status: criteria provided, single submitter. Criteria: Invitae Variant Classification Sherloc (09022015). Collection method: clinical testing. Allele origin: germline.
Comment: Algorithms developed to predict the effect of missense changes on protein structure and function (SIFT, PolyPhen-2, Align-GVGD) all suggest that this variant is likely to be disruptive, but these predictions have not been confirmed by published functional studies and their clinical significance is uncertain. In summary, the available evidence is currently insufficient to determine the role of this variant in disease. Therefore, it has been classified as a Variant of Uncertain Significance. This variant is found within a region of MYH7 between codons 181 and 937 that contains the majority of the myosin head domain. Missense variants in this region have been shown to be significantly overrepresented in individuals with hypertrophic cardiomyopathy (PMID: 27532257). This variant has been observed in individual(s) with clinical features of hypertrophic cardiomyopathy (PMID: 27532257). ClinVar contains an entry for this variant (Variation ID: 42904). This variant is present in population databases (rs397516147, ExAC 0.04%). This sequence change replaces aspartic acid with tyrosine at codon 809 of the MYH7 protein (p.Asp809Tyr). The aspartic acid residue is highly conserved and there is a large physicochemical difference between aspartic acid and tyrosine.

Laboratory for Molecular Medicine, Mass General Brigham Personalized Medicine
Classification: Uncertain significance. Last evaluated: 2016-09-20. Review status: criteria provided, single submitter. Criteria: LMM Criteria. Collection method: clinical testing. Allele origin: germline. Observed: 1 variant allele.
Comment: proposed classification - variant undergoing re-assessment, contact laboratory

Literature cited by the submitters: PubMed 25611685 (cited by Color Diagnostics, LLC DBA Color Health); PubMed 27532257 (cited by Color Diagnostics, LLC DBA Color Health and Labcorp Genetics (formerly Invitae), Labcorp).